The following is an entry in ClinVar:

ClinVar aggregate classification (germline): Uncertain significance (1 of 4 stars; one submission).

Submission:

GeneDx
Classification: Uncertain significance. Last evaluated: 2022-12-06. Review status: criteria provided, single submitter. Criteria: GeneDx Variant Classification Process June 2021. Collection method: clinical testing. Allele origin: germline. Affected: yes.
Comment: Not observed at significant frequency in large population cohorts (gnomAD); In silico analysis supports that this missense variant does not alter protein structure/function; Has not been previously published as pathogenic or benign to our knowledge

NM_013275.6(ANKRD11):c.3233C>A (p.Ala1078Glu)

Gene: ANKRD11 (ankyrin repeat domain containing 11; minus strand). Cytogenetic location: 16q24.3.
Variant type: single nucleotide variant.
Coding change: c.3233C>A on transcript NM_013275.6 (MANE Select); coding-DNA position 3233, C replaced by A.
Protein change: p.Ala1078Glu; replaces alanine 1078 with glutamic acid.
Molecular consequence: missense variant.
Genome position (GRCh38, 1-based): chr16:89,283,309, G>T on the plus strand (C>A on the coding strand, the complement: ANKRD11 is on the minus strand). VCF-style: chr16-89283309-G-T. GRCh37 (hg19) VCF-style: chr16-89349717-G-T.
Other names: c.3233C>A, p.Ala1078Glu (NM_001256182.2, NM_001256183.2); short protein forms A1078E.
Identifiers: ClinVar variation 2505023 (VCV002505023.1), dbSNP rs753662123, ClinGen allele CA397160276.